The following is an entry in ClinVar:

ClinVar aggregate classification (germline): Uncertain significance. Review status: criteria provided, multiple submitters, no conflicts (2 of 4 stars). 2 submissions from 2 submitters: Uncertain significance (2). Last evaluated 2024-11-10.

Conditions:
Intellectual developmental disorder, autosomal dominant 29. Also called: SETBP1 Haploinsufficiency Disorder; Intellectual disability, autosomal dominant 29. Identifiers: Orphanet 436151, MedGen C4015141, MONDO:0014482, OMIM 616078.

gnomAD v4.1: 1 of 1,608,366 alleles (0.000062%); highest among the groups gnomAD compares: Non-Finnish European, 0.000085%; no homozygotes.

Submissions (2):

Labcorp Genetics (formerly Invitae), Labcorp
Classification: Uncertain significance. Last evaluated: 2024-11-10. Review status: criteria provided, single submitter. Criteria: Invitae Variant Classification Sherloc (09022015). Collection method: clinical testing. Allele origin: germline.
Comment: This sequence change replaces serine, which is neutral and polar, with cysteine, which is neutral and slightly polar, at codon 1590 of the SETBP1 protein (p.Ser1590Cys). This variant is not present in population databases (gnomAD no frequency). This variant has not been reported in the literature in individuals affected with SETBP1-related conditions. ClinVar contains an entry for this variant (Variation ID: 1030517). An algorithm developed to predict the effect of missense changes on protein structure and function (PolyPhen-2) suggests that this variant is likely to be disruptive. In summary, the available evidence is currently insufficient to determine the role of this variant in disease. Therefore, it has been classified as a Variant of Uncertain Significance.

Baylor Genetics
Classification: Uncertain significance for Intellectual developmental disorder, autosomal dominant 29. Last evaluated: 2020-09-15. Review status: criteria provided, single submitter. Criteria: ACMG Guidelines, 2015. Collection method: clinical testing. Allele origin: unknown. Affected: yes.
Comment: This variant was determined to be of uncertain significance according to ACMG Guidelines, 2015 [PMID:25741868].

NM_015559.3(SETBP1):c.4768A>T (p.Ser1590Cys)

Gene: SETBP1 (SET binding protein 1; plus strand). Cytogenetic location: 18q12.3.
Variant type: single nucleotide variant.
Coding change: c.4768A>T on transcript NM_015559.3 (MANE Select); coding-DNA position 4768, A replaced by T.
Protein change: p.Ser1590Cys; replaces serine 1590 with cysteine.
Molecular consequence: missense variant.
Genome position (GRCh38, 1-based): chr18:45,063,675, A>T. VCF-style: chr18-45063675-A-T. GRCh37 (hg19) VCF-style: chr18-42643640-A-T.
Other names: c.4768A>T, p.Ser1590Cys (NM_001379141.1, NM_001379142.1); short protein forms S1590C.
Identifiers: ClinVar variation 1030517 (VCV001030517.4), dbSNP rs776334194, ClinGen allele CA402484115.
Genomic context (GRCh38, chr18:45,063,675, plus strand): 5'-CAGCAGCCCCTTCCCCAGGAAGAGGAGGTGAAAGCCAAAAGGCAGAGGAAGTCCCGAGGG[A>T]GTGAGAGCGAGGTCCTTCCCTAGGGCGGGTCTGGGCGTCTGCACCTGGGGCCTAGGGAAC-3'
Protein context (NP_056374.2, residues 1580-1596): KAKRQRKSRG[Ser1590Cys]ESEVLP